The following is an entry in ClinVar:

ClinVar aggregate classification (germline): Benign/Likely benign. Review status: criteria provided, multiple submitters, no conflicts (2 of 4 stars). 3 submissions from 3 submitters: Benign (1); Likely benign (2). Last evaluated 2026-01-20.

Conditions:
Hereditary cancer-predisposing syndrome. Also called: Hereditary Cancer Syndrome; Neoplastic Syndromes, Hereditary; Tumor predisposition; Hereditary neoplastic syndrome. Identifiers: Orphanet 140162, MedGen C0027672, MeSH D009386, MONDO:0015356.
Familial cancer of breast. Also called: BREAST CANCER, FAMILIAL; hereditary breast carcinoma; Hereditary breast cancer. Identifiers: Orphanet 227535, MedGen C0346153, MONDO:0016419, OMIM 114480. Disease mechanism: loss of function.

Submissions (3):

Ambry Genetics
Classification: Likely benign for Hereditary cancer-predisposing syndrome. Last evaluated: 2026-01-20. Review status: criteria provided, single submitter. Criteria: Ambry Variant Classification Scheme 2023. Collection method: clinical testing. Allele origin: germline.

Myriad Genetics, Inc.
Classification: Benign for Familial cancer of breast. Last evaluated: 2024-10-02. Review status: criteria provided, single submitter. Criteria: Myriad Autosomal Dominant, Autosomal Recessive and X-Linked Classification Criteria (2023). Collection method: clinical testing. Allele origin: unknown.
Comment: This variant is considered benign. This variant is a silent/synonymous amino acid change and it is not expected to impact splicing.

Labcorp Genetics (formerly Invitae), Labcorp
Classification: Likely benign for Familial cancer of breast. Last evaluated: 2022-09-01. Review status: criteria provided, single submitter. Criteria: Invitae Variant Classification Sherloc (09022015). Collection method: clinical testing. Allele origin: germline.

NM_007194.4(CHEK2):c.369T>C (p.Tyr123=)

Gene: CHEK2 (checkpoint kinase 2; minus strand). Cytogenetic location: 22q12.1.
Variant type: single nucleotide variant.
Coding change: c.369T>C on transcript NM_007194.4 (MANE Select); coding-DNA position 369, T replaced by C.
Protein change: p.Tyr123=; no amino-acid change (tyrosine 123 retained).
Molecular consequence: synonymous variant.
Genome position (GRCh38, 1-based): chr22:28,725,318, A>G on the plus strand (T>C on the coding strand, the complement: CHEK2 is on the minus strand). VCF-style: chr22-28725318-A-G. GRCh37 (hg19) VCF-style: chr22-29121306-A-G.
Other names: c.498T>C, p.Tyr166= (NM_001005735.3); c.-409T>C (NM_001257387.3); c.369T>C, p.Tyr123= (NM_001349956.3, NM_145862.3); c.369T>C (NM_007194.3).
Identifiers: ClinVar variation 1124988 (VCV001124988.12), dbSNP rs2146070088, ClinGen allele CA513945297.
Genomic context (GRCh38, chr22:28,725,318, plus strand): 5'-GTGTTTCTTGCTGTATGTTCGGTATTTATCTGTTCTTTTCAGCAGTGGTTCATCAAAGCA[A>G]TATTCACAGCTTTTGTCCCTCCCAAACCAGTAGTTGTCATTCACACATTCTGTAATATAA-3'
Protein context (NP_009125.1, residues 113-133): YWFGRDKSCE[Tyr123=]CFDEPLLKRT